The following is an entry in ClinVar:

ClinVar aggregate classification (germline): Likely benign. Review status: criteria provided, multiple submitters, no conflicts (2 of 4 stars). 4 submissions from 4 submitters: Likely benign (4). Last evaluated 2026-01-26.

Conditions:
CCDC88C-related disorder. Also called: CCDC88C-Related Disorders; CCDC88C-related condition.

Allele frequency attached by ClinVar (database versions not stated): ESP Exome Variant Server 0.00025; TOPMed 0.00050.
gnomAD v4.1: 184 of 1,551,372 alleles (0.012%); highest among the groups gnomAD compares: African/African-American, 0.12%; 1 homozygote.

Submissions (4):

Labcorp Genetics (formerly Invitae), Labcorp
Classification: Likely benign. Last evaluated: 2026-01-26. Review status: criteria provided, single submitter. Criteria: Invitae Variant Classification Sherloc (09022015). Collection method: clinical testing. Allele origin: germline.

PreventionGenetics, part of Exact Sciences
Classification: Likely benign for CCDC88C-related condition. Last evaluated: 2025-05-23. Review status: criteria provided, single submitter. Criteria: ACMG Guidelines, 2015. Collection method: clinical testing. Allele origin: germline.
Comment: This variant is classified as likely benign based on ACMG/AMP sequence variant interpretation guidelines (Richards et al. 2015 PMID: 25741868, with internal and published modifications).

Laboratory of Genetics, Children's Clinical University Hospital Latvia
Classification: Likely benign. Last evaluated: 2025-02-16. Review status: criteria provided, single submitter. Criteria: ACMG Guidelines, 2015. Collection method: clinical testing. Allele origin: germline. Affected: yes.

Women's Health and Genetics/Laboratory Corporation of America, LabCorp
Classification: Likely benign. Last evaluated: 2024-12-24. Review status: criteria provided, single submitter. Criteria: LabCorp Variant Classification Summary - May 2015. Collection method: clinical testing. Allele origin: germline.

NM_001080414.4(CCDC88C):c.5220G>A (p.Ser1740=)

Gene: CCDC88C (coiled-coil and HOOK domain protein 88C; minus strand). Cytogenetic location: 14q32.11.
Variant type: single nucleotide variant.
Coding change: c.5220G>A on transcript NM_001080414.4 (MANE Select); coding-DNA position 5220, G replaced by A.
Protein change: p.Ser1740=; no amino-acid change (serine 1740 retained).
Molecular consequence: synonymous variant.
Genome position (GRCh38, 1-based): chr14:91,273,492, C>T on the plus strand (G>A on the coding strand, the complement: CCDC88C is on the minus strand). VCF-style: chr14-91273492-C-T. GRCh37 (hg19) VCF-style: chr14-91739836-C-T.
Other names: c.5220G>A (NM_001080414.3).
Identifiers: ClinVar variation 2054909 (VCV002054909.7), dbSNP rs374066841, ClinGen allele CA7308700.
Genomic context (GRCh38, chr14:91,273,492, plus strand): 5'-GGCCTCAGTCAGTCTGAAGTTTGGCTTTACGTACTGCCCGGGCTTCAGCGGCCTCCCCTC[C>T]GAGGTGGGGGCGGCCATTTTGACGGTGGGGGCCACAAAGTTGGTGGGCATCTTGGCCCCT-3'
Protein context (NP_001073883.2, residues 1730-1750): APTVKMAAPT[Ser1740=]EGRPLKPGQY